The following is an entry in ClinVar:

ClinVar aggregate classification (germline): Likely benign. Review status: criteria provided, single submitter (1 of 4 stars). 2 submissions from 2 submitters: Likely benign (1). 1 of the submissions does not count toward it. Last evaluated 2018-10-09.

Conditions:
ROR2-related disorder. Also called: ROR2-related condition; ROR2-related disorders.

Allele frequency attached by ClinVar (database versions not stated): gnomAD 0.00001; gnomAD exomes 0.00001; ExAC 0.00002; TOPMed 0.00002.
gnomAD v4.1: 17 of 1,613,838 alleles (0.0011%); highest among the groups gnomAD compares: Admixed American, 0.0033%; no homozygotes.

Submissions (2):

Labcorp Genetics (formerly Invitae), Labcorp
Classification: Likely benign. Last evaluated: 2018-10-09. Review status: criteria provided, single submitter. Criteria: Invitae Variant Classification Sherloc (09022015). Collection method: clinical testing. Allele origin: germline.

PreventionGenetics, part of Exact Sciences
Classification: Likely benign for ROR2-related condition. Last evaluated: 2020-09-21. Review status: no assertion criteria provided. Collection method: clinical testing. Allele origin: germline. Not counted in ClinVar's aggregate classification.
Comment: This variant is classified as likely benign based on ACMG/AMP sequence variant interpretation guidelines (Richards et al. 2015 PMID: 25741868, with internal and published modifications).

NM_004560.4(ROR2):c.435C>T (p.Thr145=)

Gene: ROR2 (ROR family WNT receptor 2; minus strand). Cytogenetic location: 9q22.31.
Variant type: single nucleotide variant.
Coding change: c.435C>T on transcript NM_004560.4 (MANE Select); coding-DNA position 435, C replaced by T.
Protein change: p.Thr145=; no amino-acid change (threonine 145 retained).
Molecular consequence: synonymous variant.
Genome position (GRCh38, 1-based): chr9:91,757,300, G>A on the plus strand (C>T on the coding strand, the complement: ROR2 is on the minus strand). VCF-style: chr9-91757300-G-A. GRCh37 (hg19) VCF-style: chr9-94519582-G-A.
Other names: c.435C>T, p.Thr145= (NM_001318204.2).
Identifiers: ClinVar variation 792334 (VCV000792334.5), dbSNP rs779139938, ClinGen allele CA5121040.